The following is an entry in ClinVar:

ClinVar aggregate classification (germline): Uncertain significance (1 of 4 stars; one submission).

Conditions:
Primary ciliary dyskinesia. Also called: Ciliary dyskinesia. Identifiers: Orphanet 244, MedGen C0008780, MONDO:0016575, HP:0012265.

gnomAD v4.1: 4 of 1,612,136 alleles (0.00025%); highest among the groups gnomAD compares: South Asian, 0.0033%; no homozygotes.

Submission:

Labcorp Genetics (formerly Invitae), Labcorp
Classification: Uncertain significance for Primary ciliary dyskinesia. Last evaluated: 2020-02-18. Review status: criteria provided, single submitter. Criteria: Invitae Variant Classification Sherloc (09022015). Collection method: clinical testing. Allele origin: germline.
Comment: This sequence change replaces arginine with glycine at codon 39 of the DRC1 protein (p.Arg39Gly). The arginine residue is highly conserved and there is a moderate physicochemical difference between arginine and glycine. This variant is not present in population databases (ExAC no frequency). This variant has not been reported in the literature in individuals with DRC1-related conditions. Algorithms developed to predict the effect of missense changes on protein structure and function are either unavailable or do not agree on the potential impact of this missense change (SIFT: "Deleterious"; PolyPhen-2: "Probably Damaging"; Align-GVGD: "Class C0"). In summary, the available evidence is currently insufficient to determine the role of this variant in disease. Therefore, it has been classified as a Variant of Uncertain Significance.

NM_145038.5(DRC1):c.115C>G (p.Arg39Gly)

Gene: DRC1 (dynein regulatory complex subunit 1; plus strand). Cytogenetic location: 2p23.3.
Variant type: single nucleotide variant.
Coding change: c.115C>G on transcript NM_145038.5 (MANE Select); coding-DNA position 115, C replaced by G.
Protein change: p.Arg39Gly; replaces arginine 39 with glycine.
Molecular consequence: missense variant.
Genome position (GRCh38, 1-based): chr2:26,402,104, C>G. VCF-style: chr2-26402104-C-G. GRCh37 (hg19) VCF-style: chr2-26624972-C-G.
Other names: short protein forms R39G.
Identifiers: ClinVar variation 1024129 (VCV001024129.17), dbSNP rs778388067, ClinGen allele CA346126464.